The following is an entry in ClinVar:

NM_206933.4(USH2A):c.5962A>G (p.Ile1988Val)

Gene: USH2A (usherin; minus strand). Cytogenetic location: 1q41.
Variant type: single nucleotide variant.
Coding change: c.5962A>G on transcript NM_206933.4 (MANE Select); coding-DNA position 5962, A replaced by G.
Protein change: p.Ile1988Val; replaces isoleucine 1988 with valine.
Molecular consequence: missense variant.
Genome position (GRCh38, 1-based): chr1:216,070,188, T>C on the plus strand (A>G on the coding strand, the complement: USH2A is on the minus strand). VCF-style: chr1-216070188-T-C. GRCh37 (hg19) VCF-style: chr1-216243530-T-C.
Other names: short protein forms I1988V.
Identifiers: ClinVar variation 2901674 (VCV002901674.3), dbSNP rs768292437, ClinGen allele CA1395287.
Genomic context (GRCh38, chr1:216,070,188, plus strand): 5'-CAGCACTGGCAGAGGGCATGCGGGGTGGACGGGTGCTGTCCTCACTATAGGCTTTCAGAA[T>C]GTACTTCTCAATTACACCTCTGACAACAGGTTCATCCCAGGTCACCTCAATGCTGTATCC-3'
Protein context (NP_996816.3, residues 1978-1998): PVVRGVIEKY[Ile1988Val]LKAYSEDSTR

ClinVar aggregate classification (germline): Uncertain significance (1 of 4 stars; one submission).

Allele frequency attached by ClinVar (database versions not stated): TOPMed below 0.00001; gnomAD 0.00001; ExAC 0.00002.
gnomAD v4.1: 7 of 1,613,906 alleles (0.00043%); highest among the groups gnomAD compares: Non-Finnish European, 0.00051%; no homozygotes.

Submission:

Labcorp Genetics (formerly Invitae), Labcorp
Classification: Uncertain significance. Last evaluated: 2024-06-12. Review status: criteria provided, single submitter. Criteria: Invitae Variant Classification Sherloc (09022015). Collection method: clinical testing. Allele origin: germline.
Comment: This sequence change replaces isoleucine, which is neutral and non-polar, with valine, which is neutral and non-polar, at codon 1988 of the USH2A protein (p.Ile1988Val). This variant is present in population databases (rs768292437, gnomAD 0.002%). This variant has not been reported in the literature in individuals affected with USH2A-related conditions. Advanced modeling of protein sequence and biophysical properties (such as structural, functional, and spatial information, amino acid conservation, physicochemical variation, residue mobility, and thermodynamic stability) performed at Invitae indicates that this missense variant is not expected to disrupt USH2A protein function with a negative predictive value of 95%. In summary, the available evidence is currently insufficient to determine the role of this variant in disease. Therefore, it has been classified as a Variant of Uncertain Significance.